The following is an entry in ClinVar:

ClinVar aggregate classification (germline): Likely benign (1 of 4 stars; one submission).

gnomAD v4.1: 2 of 1,613,966 alleles (0.00012%); highest among the groups gnomAD compares: East Asian, 0.0022%; no homozygotes.

Submission:

CeGaT Center for Human Genetics Tuebingen
Classification: Likely benign. Last evaluated: 2022-07-01. Review status: criteria provided, single submitter. Criteria: CeGaT Center For Human Genetics Tuebingen Variant Classification Criteria Version 2. Collection method: clinical testing. Allele origin: germline. Affected: yes. Observed: 1 variant allele.
Comment: RYR3: PM2:Supporting, BP4, BP7

NM_001036.6(RYR3):c.12909C>G (p.Leu4303=)

Gene: RYR3 (ryanodine receptor 3; plus strand). Cytogenetic location: 15q14.
Variant type: single nucleotide variant.
Coding change: c.12909C>G on transcript NM_001036.6 (MANE Select); coding-DNA position 12909, C replaced by G.
Protein change: p.Leu4303=; no amino-acid change (leucine 4303 retained).
Molecular consequence: synonymous variant.
Genome position (GRCh38, 1-based): chr15:33,838,889, C>G. VCF-style: chr15-33838889-C-G. GRCh37 (hg19) VCF-style: chr15-34131090-C-G.
Other names: c.12894C>G, p.Leu4298= (NM_001243996.4).
Identifiers: ClinVar variation 2645145 (VCV002645145.24), dbSNP rs2507918320, ClinGen allele CA489400572.